The following is an entry in ClinVar:

ClinVar aggregate classification (germline): Uncertain significance (1 of 4 stars; one submission).

Conditions:
Epidermolysis bullosa simplex 5B, with muscular dystrophy (EBS5B). Also called: Epidermolysis bullosa simplex with muscular dystrophy; EPIDERMOLYSIS BULLOSA SIMPLEX AND LIMB-GIRDLE MUSCULAR DYSTROPHY. Identifiers: Orphanet 257, MedGen C2931072, MONDO:0009181, OMIM 226670.
Epidermolysis bullosa simplex 5C, with pyloric atresia (EBS5C). Also called: Epidermolysis bullosa simplex with pyloric atresia; PLEC-Related Epidermolysis Bullosa with Pyloric Atresia; PLEC1-Related Epidermolysis Bullosa with Pyloric Atresia. Identifiers: Orphanet 158684, MedGen C2677349, MONDO:0012807, OMIM 612138.
Epidermolysis bullosa simplex with nail dystrophy (EBS5D). Identifiers: MedGen C4225309, MONDO:0014661, OMIM 616487.
Autosomal recessive limb-girdle muscular dystrophy type 2Q (LGMDR17). Also called: MUSCULAR DYSTROPHY, LIMB-GIRDLE, AUTOSOMAL RECESSIVE 17. Identifiers: Orphanet 254361, MedGen C3150989, MONDO:0013390, OMIM 613723.
Epidermolysis bullosa simplex, Ogna type (EBS5A). Also called: Pidermolysis bullosa simplex 5A, Ogna type; EPIDERMOLYSIS BULLOSA SIMPLEX 5A, OGNA TYPE. Identifiers: Orphanet 79401, MedGen C0432317, MONDO:0007555, OMIM 131950.

gnomAD v4.1: 1 of 1,587,444 alleles (0.000063%); highest among the groups gnomAD compares: South Asian, 0.0011%; no homozygotes.

Submission:

Labcorp Genetics (formerly Invitae), Labcorp
Classification: Uncertain significance for Autosomal recessive limb-girdle muscular dystrophy type 2Q; Epidermolysis bullosa simplex, Ogna type; Epidermolysis bullosa simplex with nail dystrophy; Epidermolysis bullosa simplex 5C, with pyloric atresia; Epidermolysis bullosa simplex 5B, with muscular dystrophy. Last evaluated: 2021-11-27. Review status: criteria provided, single submitter. Criteria: Invitae Variant Classification Sherloc (09022015). Collection method: clinical testing. Allele origin: germline.
Comment: In summary, the available evidence is currently insufficient to determine the role of this variant in disease. Therefore, it has been classified as a Variant of Uncertain Significance. Algorithms developed to predict the effect of missense changes on protein structure and function are either unavailable or do not agree on the potential impact of this missense change (SIFT: "Deleterious"; PolyPhen-2: "Not Available"; Align-GVGD: "Class C35"). This variant has not been reported in the literature in individuals affected with PLEC-related conditions. This variant is not present in population databases (gnomAD no frequency). This sequence change replaces glutamic acid, which is acidic and polar, with aspartic acid, which is acidic and polar, at codon 1213 of the PLEC protein (p.Glu1213Asp).

NM_201384.3(PLEC):c.3558G>T (p.Glu1186Asp)

Gene: PLEC (plectin; minus strand). Cytogenetic location: 8q24.3.
Variant type: single nucleotide variant.
Coding change: c.3558G>T on transcript NM_201384.3 (MANE Select); coding-DNA position 3558, G replaced by T.
Protein change: p.Glu1186Asp; replaces glutamic acid 1186 with aspartic acid.
Molecular consequence: missense variant.
Genome position (GRCh38, 1-based): chr8:143,927,608, C>A on the plus strand (G>T on the coding strand, the complement: PLEC is on the minus strand). VCF-style: chr8-143927608-C-A. GRCh37 (hg19) VCF-style: chr8-145001776-C-A.
Other names: c.3639G>T, p.Glu1213Asp (NM_000445.5); c.3516G>T, p.Glu1172Asp (NM_201378.4); c.3492G>T, p.Glu1164Asp (NM_201379.3); c.3969G>T, p.Glu1323Asp (NM_201380.4); c.3462G>T, p.Glu1154Asp (NM_201381.3); c.3558G>T, p.Glu1186Asp (NM_201382.4); c.3570G>T, p.Glu1190Asp (NM_201383.3); short protein forms E1154D, E1190D, E1323D, E1172D, E1164D, E1186D, E1213D.
Identifiers: ClinVar variation 1358638 (VCV001358638.6), dbSNP rs782819815, ClinGen allele CA372565694.
Genomic context (GRCh38, chr8:143,927,608, plus strand): 5'-GCCCAGTTGCTCGAGCTCGCGCTGCCGCACGTCGGTCTGGGCCAGCACAGCCTGCCAGCG[C>A]TCAAGCAACTGGGCGACCCGCTCCCGCCAGCGCTCCACCTCCACGTCCCGCTCCCCGTGC-3'
Protein context (NP_958786.1, residues 1176-1196): RWRERVAQLL[Glu1186Asp]RWQAVLAQTD